The following is an entry in ClinVar:

NM_017415.3(KLHL3):c.527-8dup

Gene: KLHL3 (kelch like family member 3; minus strand). Cytogenetic location: 5q31.2.
Variant type: Duplication.
Coding change: c.527-8dup on transcript NM_017415.3 (MANE Select); 8 bases into the intron before coding-DNA position 527, one base duplicated (T; older notation c.527-8dupT).
Molecular consequence: intron variant.
Genome position (GRCh38, 1-based): chr5:137,677,662, A duplicated on the plus strand (T on the coding strand, the reverse complement: KLHL3 is on the minus strand); the first of 14 consecutive A bases (chr5:137,677,662-137,677,675); duplicating any one gives the same sequence. VCF-style (leftmost placement, unchanged base first): chr5-137677661-C-CA. GRCh37 (hg19) VCF-style: chr5-137013350-C-CA.
Other names: p.?; c.431-8dup (NM_001257194.1); c.281-8dup (NM_001257195.2).
Identifiers: ClinVar variation 770723 (VCV000770723.4), dbSNP rs112292887, ClinGen allele CA3422460.
Genomic context (GRCh38, chr5:137,677,661, plus strand): 5'-CCAGACTCAGGCTAAGAAATTCTTCTCCTAGCATCACCTCTGGAAAGTGCTGCTCTGTTC[C>CA]AAAAAAAAAAAAAAGAAGTTAAGAAAACAAAGTTGTAACACACTTCTGCCCTTCCATGAC-3'

ClinVar aggregate classification (germline): Benign. Review status: criteria provided, multiple submitters, no conflicts (2 of 4 stars). 2 submissions from 2 submitters: Benign (2). Last evaluated 2023-11-28.

Submissions (2):

Mayo Clinic Laboratories, Mayo Clinic
Classification: Benign. Last evaluated: 2023-11-28. Review status: criteria provided, single submitter. Criteria: ACMG Guidelines, 2015. Collection method: clinical testing. Allele origin: germline. Observed: 10 variant alleles.
Comment: BA1, BP4, BP7

Labcorp Genetics (formerly Invitae), Labcorp
Classification: Benign. Last evaluated: 2017-06-06. Review status: criteria provided, single submitter. Criteria: Invitae Variant Classification Sherloc (09022015). Collection method: clinical testing. Allele origin: germline.